The following is an entry in ClinVar:

ClinVar aggregate classification (germline): Pathogenic (1 of 4 stars; one submission).

Submission:

Labcorp Genetics (formerly Invitae), Labcorp
Classification: Pathogenic. Last evaluated: 2023-10-29. Review status: criteria provided, single submitter. Criteria: Invitae Variant Classification Sherloc (09022015). Collection method: clinical testing. Allele origin: germline.
Comment: This sequence change creates a premature translational stop signal (p.Tyr2562*) in the FRAS1 gene. It is expected to result in an absent or disrupted protein product. Loss-of-function variants in FRAS1 are known to be pathogenic (PMID: 12766769, 18671281). This variant is not present in population databases (gnomAD no frequency). This variant has not been reported in the literature in individuals affected with FRAS1-related conditions. For these reasons, this variant has been classified as Pathogenic.

Literature cited by the submitters: PubMed 12766769; PubMed 18671281.

NM_025074.7(FRAS1):c.7686C>A (p.Tyr2562Ter)

Gene: FRAS1 (Fraser extracellular matrix complex subunit 1; plus strand). Cytogenetic location: 4q21.21.
Variant type: single nucleotide variant.
Coding change: c.7686C>A on transcript NM_025074.7 (MANE Select); coding-DNA position 7686, C replaced by A.
Protein change: p.Tyr2562Ter; replaces tyrosine 2562 with a stop codon.
Molecular consequence: nonsense.
Genome position (GRCh38, 1-based): chr4:78,475,441, C>A. VCF-style: chr4-78475441-C-A. GRCh37 (hg19) VCF-style: chr4-79396595-C-A.
Other names: short protein forms Y2562*.
Identifiers: ClinVar variation 2772666 (VCV002772666.3), dbSNP rs2477303722, ClinGen allele CA357370890.